The following is an entry in ClinVar:

NM_014874.4(MFN2):c.971-16A>G

Gene: MFN2 (mitofusin 2; plus strand). Cytogenetic location: 1p36.22.
Variant type: single nucleotide variant.
Coding change: c.971-16A>G on transcript NM_014874.4 (MANE Select); 16 bases into the intron before coding-DNA position 971, A replaced by G.
Molecular consequence: intron variant.
Genome position (GRCh38, 1-based): chr1:12,001,753, A>G. VCF-style: chr1-12001753-A-G. GRCh37 (hg19) VCF-style: chr1-12061810-A-G.
Other names: c.971-16A>G (NM_001127660.2).
Identifiers: ClinVar variation 680436 (VCV000680436.10), dbSNP rs374822911, ClinGen allele CA598976.

ClinVar aggregate classification (germline): Likely benign. Review status: criteria provided, multiple submitters, no conflicts (2 of 4 stars). 3 submissions from 3 submitters: Likely benign (3). Last evaluated 2025-02-03.

Conditions:
Charcot-Marie-Tooth disease type 2. Also called: Charcot-Marie-Tooth type 2. Identifiers: Orphanet 64746, MedGen C0270914, MONDO:0018993.

Allele frequency attached by ClinVar (database versions not stated): gnomAD exomes 0.00001 and 0.00005; ExAC 0.00006; ESP Exome Variant Server 0.00015; gnomAD 0.00016 and 0.00019; TOPMed 0.00017; 1000 Genomes Project 0.00040; 1000 Genomes Project 30x 0.00047.
gnomAD v4.1: 40 of 1,614,048 alleles (0.0025%); highest among the groups gnomAD compares: African/African-American, 0.049%; no homozygotes.

Submissions (3):

Labcorp Genetics (formerly Invitae), Labcorp
Classification: Likely benign for Charcot-Marie-Tooth disease type 2. Last evaluated: 2025-02-03. Review status: criteria provided, single submitter. Criteria: Invitae Variant Classification Sherloc (09022015). Collection method: clinical testing. Allele origin: germline.

Blueprint Genetics
Classification: Likely benign. Last evaluated: 2021-09-27. Review status: criteria provided, single submitter. Criteria: ACMG Guidelines, 2015. Collection method: clinical testing. Allele origin: germline.

GeneDx
Classification: Likely benign. Last evaluated: 2018-03-30. Review status: criteria provided, single submitter. Criteria: GeneDx Variant Classification (06012015). Collection method: clinical testing. Allele origin: germline. Affected: yes.
Comment: This variant is considered likely benign or benign based on one or more of the following criteria: it is a conservative change, it occurs at a poorly conserved position in the protein, it is predicted to be benign by multiple in silico algorithms, and/or has population frequency not consistent with disease.